The following is an entry in ClinVar:

ClinVar aggregate classification (germline): Uncertain significance. Review status: criteria provided, multiple submitters, no conflicts (2 of 4 stars). 2 submissions from 2 submitters: Uncertain significance (2). Last evaluated 2024-06-14.

Conditions:
Neurofibromatosis, type 1 (NF1). Also called: VON RECKLINGHAUSEN DISEASE; NEUROFIBROMATOSIS, TYPE I, SOMATIC; Peripheral type neurofibromatosis; Neurofibromatosis, type I. Identifiers: Orphanet 636, MedGen C0027831, MONDO:0018975, OMIM 162200. Disease mechanism: loss of function.

Submissions (2):

GeneDx
Classification: Uncertain significance. Last evaluated: 2024-06-14. Review status: criteria provided, single submitter. Criteria: GeneDx Variant Classification Process June 2021. Collection method: clinical testing. Allele origin: germline. Affected: yes.
Comment: Observed in an individual with suspected neurofibromatosis type 1 (PMID: 24789688); Not observed at significant frequency in large population cohorts (gnomAD); In silico analysis supports that this missense variant has a deleterious effect on protein structure/function; This variant is associated with the following publications: (PMID: 24789688, 25486365, 22807134)

Labcorp Genetics (formerly Invitae), Labcorp
Classification: Uncertain significance for Neurofibromatosis, type 1. Last evaluated: 2023-06-20. Review status: criteria provided, single submitter. Criteria: Invitae Variant Classification Sherloc (09022015). Collection method: clinical testing. Allele origin: germline.
Comment: In summary, the available evidence is currently insufficient to determine the role of this variant in disease. Therefore, it has been classified as a Variant of Uncertain Significance. Advanced modeling of protein sequence and biophysical properties (such as structural, functional, and spatial information, amino acid conservation, physicochemical variation, residue mobility, and thermodynamic stability) performed at Invitae indicates that this missense variant is expected to disrupt NF1 protein function. ClinVar contains an entry for this variant (Variation ID: 950635). This missense change has been observed in individual(s) with clinical features of neurofibromatosis type 1 (PMID: 24789688). This variant is not present in population databases (gnomAD no frequency). This sequence change replaces histidine, which is basic and polar, with proline, which is neutral and non-polar, at codon 1251 of the NF1 protein (p.His1251Pro).

Literature cited by the submitters: PubMed 24789688 (cited by Labcorp Genetics (formerly Invitae), Labcorp).

NM_001042492.3(NF1):c.3752A>C (p.His1251Pro)

Gene: NF1 (neurofibromin 1; plus strand). Cytogenetic location: 17q11.2.
Variant type: single nucleotide variant.
Coding change: c.3752A>C on transcript NM_001042492.3 (MANE Select); coding-DNA position 3752, A replaced by C.
Protein change: p.His1251Pro; replaces histidine 1251 with proline.
Molecular consequence: missense variant.
Genome position (GRCh38, 1-based): chr17:31,235,654, A>C. VCF-style: chr17-31235654-A-C. GRCh37 (hg19) VCF-style: chr17-29562672-A-C.
Other names: c.3752A>C, p.His1251Pro (NM_000267.4); short protein forms H1251P.
Identifiers: ClinVar variation 950635 (VCV000950635.7), dbSNP rs1567852526, ClinGen allele CA398992468.
Genomic context (GRCh38, chr17:31,235,654, plus strand): 5'-TTTTGTTTTGTTCTCAGGATGAACTAGCTCGAGTTCTGGTTACTCTGTTTGATTCTCGGC[A>C]TTTACTCTACCAACTGCTCTGGAACATGTTTTCTAAAGAAGTAGAATTGGCAGACTCCAT-3'
Protein context (NP_001035957.1, residues 1241-1261): RVLVTLFDSR[His1251Pro]LLYQLLWNMF